The following is an entry in ClinVar:

NM_199420.4(POLQ):c.1649T>C (p.Met550Thr)

Gene: POLQ (DNA polymerase theta; minus strand). Cytogenetic location: 3q13.33.
Variant type: single nucleotide variant.
Coding change: c.1649T>C on transcript NM_199420.4 (MANE Select); coding-DNA position 1649, T replaced by C.
Protein change: p.Met550Thr; replaces methionine 550 with threonine.
Molecular consequence: missense variant.
Genome position (GRCh38, 1-based): chr3:121,510,206, A>G on the plus strand (T>C on the coding strand, the complement: POLQ is on the minus strand). VCF-style: chr3-121510206-A-G. GRCh37 (hg19) VCF-style: chr3-121229053-A-G.
Other names: short protein forms M550T.
Identifiers: ClinVar variation 3229850 (VCV003229850.1), dbSNP rs781383207, ClinGen allele CA2563475.

ClinVar aggregate classification (germline): Uncertain significance (1 of 4 stars; one submission).

Allele frequency attached by ClinVar (database versions not stated): gnomAD exomes below 0.00001; ExAC 0.00001.
gnomAD v4.1: 2 of 1,613,496 alleles (0.00012%); highest among the groups gnomAD compares: South Asian, 0.0011%; no homozygotes.

Submission:

Ambry Genetics
Classification: Uncertain significance. Last evaluated: 2023-10-01. Review status: criteria provided, single submitter. Criteria: Ambry Variant Classification Scheme 2023. Collection method: clinical testing. Allele origin: germline.
Comment: The p.M550T variant (also known as c.1649T>C), located in coding exon 11 of the POLQ gene, results from a T to C substitution at nucleotide position 1649. The methionine at codon 550 is replaced by threonine, an amino acid with similar properties. This amino acid position is conserved. In addition, this alteration is predicted to be tolerated by in silico analysis. Since supporting evidence is limited at this time, the clinical significance of this alteration remains unclear.